The following is an entry in ClinVar:

NC_000023.11:g.70027993_70028027del

Gene: EDA (ectodysplasin A; plus strand). Cytogenetic location: Xq13.1.
Variant type: Deletion.
Genome position: GRCh38: chrX:70,027,993-70,028,027. GRCh37 (hg19): chrX:69,247,843-69,247,877.
Other names: c.663_697del, p.Pro222fs (NM_001005609.2, NM_001005612.3, NM_001399.5); short protein forms P222fs.
Identifiers: ClinVar variation 44202 (VCV000044202.14), dbSNP rs397516670, ClinGen allele CA261500.

ClinVar aggregate classification (germline): Pathogenic. Review status: criteria provided, multiple submitters, no conflicts (2 of 4 stars). 4 submissions from 4 submitters: Pathogenic (4). Last evaluated 2025-09-20.

Conditions:
EDA-related disorder. Also called: EDA-related condition; EDA-related disorders.
Hypohidrotic X-linked ectodermal dysplasia (XHED). Also called: ECTODERMAL DYSPLASIA, HYPOHIDROTIC, 1; CST SYNDROME; Christ-Siemans-Touraine syndrome; ECTODERMAL DYSPLASIA 1; Ectodermal Dysplasia 1, Anhidrotic; ECTODERMAL DYSPLASIA 1, HYPOHIDROTIC, X-LINKED. Identifiers: Orphanet 181, Orphanet 238468, MedGen C0162359, MONDO:0010585, OMIM 305100.

Submissions (4):

GeneDx
Classification: Pathogenic. Last evaluated: 2025-09-20. Review status: criteria provided, single submitter. Criteria: GeneDx Variant Classification Process June 2021. Collection method: clinical testing. Allele origin: germline. Affected: yes.
Comment: Frameshift variant predicted to result in protein truncation or nonsense mediated decay in a gene for which loss of function is a known mechanism of disease; Not observed at significant frequency in large population cohorts (gnomAD); This variant is associated with the following publications: (PMID: 11378824, 31796081, 30526585, 11279189, 38129747, MoonTang2019[CaseReport], 9683615)

Blueprint Genetics
Classification: Pathogenic for EDA-related disorders. Last evaluated: 2024-10-17. Review status: criteria provided, single submitter. Criteria: ACMG Guidelines, 2015. Collection method: clinical testing. Allele origin: germline. Affected: yes. Observed: 5 variant alleles.

Labcorp Genetics (formerly Invitae), Labcorp
Classification: Pathogenic for Hypohidrotic X-linked ectodermal dysplasia. Last evaluated: 2024-10-02. Review status: criteria provided, single submitter. Criteria: Invitae Variant Classification Sherloc (09022015). Collection method: clinical testing. Allele origin: germline.
Comment: This sequence change creates a premature translational stop signal (p.Pro222Thrfs*6) in the EDA gene. It is expected to result in an absent or disrupted protein product. Loss-of-function variants in EDA are known to be pathogenic (PMID: 9683615). This variant is not present in population databases (gnomAD no frequency). This premature translational stop signal has been observed in individual(s) with X-linked hypohidrotic ectodermal dysplasia (PMID: 9683615). In at least one individual the variant was observed to be de novo. This variant is also known as c.904_938del. ClinVar contains an entry for this variant (Variation ID: 44202). For these reasons, this variant has been classified as Pathogenic.

Laboratory for Molecular Medicine, Mass General Brigham Personalized Medicine
Classification: Pathogenic for Hypohidrotic X-linked ectodermal dysplasia. Last evaluated: 2011-09-27. Review status: criteria provided, single submitter. Criteria: LMM Criteria. Collection method: clinical testing. Allele origin: germline. Inheritance: X-linked inheritance. Observed: 1 variant allele.
Comment: The Pro222fs variant in EDA has not been reported in the literature nor previous ly identified by our laboratory. The Pro222fs variant is predicted to cause a f rameshift, which alters the protein's amino acid sequence beginning at codon 222 and leads to a premature stop codon 6 codons downstream. This alteration is the n predicted to lead to a truncated or absent protein. In summary, this variant m eets our criteria to be classified as pathogenic.

Literature cited by the submitters: PubMed 9683615 (cited by Labcorp Genetics (formerly Invitae), Labcorp and Laboratory for Molecular Medicine, Mass General Brigham Personalized Medicine).